The following is an entry in ClinVar:

NM_024757.5(EHMT1):c.85+8C>T

Gene: EHMT1 (euchromatic histone lysine methyltransferase 1; plus strand). Cytogenetic location: 9q34.3.
Variant type: single nucleotide variant.
Coding change: c.85+8C>T on transcript NM_024757.5 (MANE Select); 8 bases into the intron after coding-DNA position 85, C replaced by T.
Molecular consequence: intron variant.
Genome position (GRCh38, 1-based): chr9:137,711,038, C>T. VCF-style: chr9-137711038-C-T. GRCh37 (hg19) VCF-style: chr9-140605490-C-T.
Other names: c.85+8C>T (NM_001354263.2, NM_001145527.2, NM_001354611.2); c.-8-5588C>T (NM_001354259.2, NM_001354612.2).
Identifiers: ClinVar variation 792806 (VCV000792806.13), dbSNP rs760179312, ClinGen allele CA5374130.
Genomic context (GRCh38, chr9:137,711,038, plus strand): 5'-GAGGGGGGAGCCTCAGCAGGATTGCTGTGTGAAAACCGAGCTGCTGGGAGAAGGTGAGGG[C>T]GGTGTGCACCGAGGGACAGGAGCAGCGCCTCCCTCCAGACTAGAAAACCTGCTGCTCTTC-3'

ClinVar aggregate classification (germline): Likely benign. Review status: criteria provided, single submitter (1 of 4 stars). 2 submissions from 2 submitters: Likely benign (1). 1 of the submissions does not count toward it. Last evaluated 2025-12-21.

Conditions:
Kleefstra syndrome 1 (KLEFS1). Identifiers: Orphanet 261494, MedGen C0795833, MONDO:0027407, OMIM 610253.
EHMT1-related disorder. Also called: EHMT1-related condition.

Allele frequency attached by ClinVar (database versions not stated): gnomAD exomes 0.00004 and 0.00006; gnomAD 0.00001 and 0.00002; TOPMed 0.00003; ExAC 0.00010.
gnomAD v4.1: 58 of 1,585,056 alleles (0.0037%); highest among the groups gnomAD compares: South Asian, 0.016%; no homozygotes.

Submissions (2):

Labcorp Genetics (formerly Invitae), Labcorp
Classification: Likely benign for Kleefstra syndrome 1. Last evaluated: 2025-12-21. Review status: criteria provided, single submitter. Criteria: Invitae Variant Classification Sherloc (09022015). Collection method: clinical testing. Allele origin: germline.

PreventionGenetics, part of Exact Sciences
Classification: Likely benign for EHMT1-related condition. Last evaluated: 2023-10-17. Review status: no assertion criteria provided. Collection method: clinical testing. Allele origin: germline. Not counted in ClinVar's aggregate classification.
Comment: This variant is classified as likely benign based on ACMG/AMP sequence variant interpretation guidelines (Richards et al. 2015 PMID: 25741868, with internal and published modifications).